The following is an entry in ClinVar:

ClinVar aggregate classification (germline): Conflicting classifications of pathogenicity. Review status: criteria provided, conflicting classifications (1 of 4 stars). 3 submissions from 3 submitters: Uncertain significance (2); Likely benign (1). Last evaluated 2025-07-24.

Conditions:
Hereditary cancer-predisposing syndrome. Also called: Neoplastic Syndromes, Hereditary; Tumor predisposition; Hereditary Cancer Syndrome; Hereditary neoplastic syndrome. Identifiers: Orphanet 140162, MedGen C0027672, MeSH D009386, MONDO:0015356.
Gastrointestinal stromal tumor. Also called: Gastrointestinal stromal tumor, somatic; Gastrointestinal stroma tumor. Identifiers: Orphanet 44890, MedGen C0238198, MeSH D046152, MONDO:0011719, OMIM 606764, HP:0100723.

Allele frequency attached by ClinVar (database versions not stated): gnomAD exomes below 0.00001.
gnomAD v4.1: 1 of 1,614,110 alleles (0.000062%); highest among the groups gnomAD compares: Non-Finnish European, 0.000085%; no homozygotes.

Submissions (3):

Ambry Genetics
Classification: Likely benign for Hereditary cancer-predisposing syndrome. Last evaluated: 2025-07-24. Review status: criteria provided, single submitter. Criteria: Ambry Variant Classification Scheme 2023. Collection method: clinical testing. Allele origin: germline.

Baylor Genetics
Classification: Uncertain significance for Gastrointestinal stromal tumor. Last evaluated: 2024-02-29. Review status: criteria provided, single submitter. Criteria: ACMG Guidelines, 2015. Collection method: clinical testing. Allele origin: unknown.

Labcorp Genetics (formerly Invitae), Labcorp
Classification: Uncertain significance for Gastrointestinal stromal tumor. Last evaluated: 2023-05-15. Review status: criteria provided, single submitter. Criteria: Invitae Variant Classification Sherloc (09022015). Collection method: clinical testing. Allele origin: germline.
Comment: This sequence change replaces phenylalanine, which is neutral and non-polar, with leucine, which is neutral and non-polar, at codon 483 of the KIT protein (p.Phe483Leu). In summary, the available evidence is currently insufficient to determine the role of this variant in disease. Therefore, it has been classified as a Variant of Uncertain Significance. Algorithms developed to predict the effect of missense changes on protein structure and function output the following: SIFT: "Not Available"; PolyPhen-2: "Benign"; Align-GVGD: "Not Available". The leucine amino acid residue is found in multiple mammalian species, which suggests that this missense change does not adversely affect protein function. ClinVar contains an entry for this variant (Variation ID: 847706). This variant has not been reported in the literature in individuals affected with KIT-related conditions. This variant is not present in population databases (gnomAD no frequency).

NM_000222.3(KIT):c.1449C>G (p.Phe483Leu)

Gene: KIT (KIT proto-oncogene, receptor tyrosine kinase; plus strand). Cytogenetic location: 4q12.
Variant type: single nucleotide variant.
Coding change: c.1449C>G on transcript NM_000222.3 (MANE Select); coding-DNA position 1449, C replaced by G.
Protein change: p.Phe483Leu; replaces phenylalanine 483 with leucine.
Molecular consequence: missense variant.
Genome position (GRCh38, 1-based): chr4:54,725,959, C>G. VCF-style: chr4-54725959-C-G. GRCh37 (hg19) VCF-style: chr4-55592125-C-G.
Other names: c.1449C>G, p.Phe483Leu (NM_001093772.2, NM_001385285.1, NM_001385286.1); c.1452C>G, p.Phe484Leu (NM_001385284.1, NM_001385288.1, NM_001385290.1 and 1 more transcripts); short protein forms F483L, F484L.
Identifiers: ClinVar variation 847706 (VCV000847706.12), dbSNP rs1722191573, ClinGen allele CA356906420.